The following is an entry in ClinVar:

ClinVar aggregate classification (germline): Likely benign (0 of 4 stars; one submission).

Conditions:
SETD1B-related disorder. Also called: SETD1B-related condition.

Submission:

PreventionGenetics, part of Exact Sciences
Classification: Likely benign for SETD1B-related condition. Last evaluated: 2019-06-24. Review status: no assertion criteria provided. Collection method: clinical testing. Allele origin: germline.
Comment: This variant is classified as likely benign based on ACMG/AMP sequence variant interpretation guidelines (Richards et al. 2015 PMID: 25741868, with internal and published modifications).

NM_001353345.2(SETD1B):c.4746T>G (p.Pro1582=)

Gene: SETD1B (SET domain containing 1B, histone lysine methyltransferase; plus strand). Cytogenetic location: 12q24.31.
Variant type: single nucleotide variant.
Coding change: c.4746T>G on transcript NM_001353345.2 (MANE Select); coding-DNA position 4746, T replaced by G.
Protein change: p.Pro1582=; no amino-acid change (proline 1582 retained).
Molecular consequence: synonymous variant.
Genome position (GRCh38, 1-based): chr12:121,823,325, T>G. VCF-style: chr12-121823325-T-G. GRCh37 (hg19) VCF-style: chr12-122261231-T-G.
Other names: NM_015048.1:c.4617T>G.
Identifiers: ClinVar variation 3043362 (VCV003043362.2), dbSNP rs1459899756, ClinGen allele CA482435432.